The following is an entry in ClinVar:

ClinVar aggregate classification (germline): Likely benign (1 of 4 stars; one submission).

gnomAD v4.1: 1,195 of 594,734 alleles (0.2%); highest among the groups gnomAD compares: African/African-American, 2%; 13 homozygotes.

Submission:

GeneDx
Classification: Likely benign. Last evaluated: 2020-12-01. Review status: criteria provided, single submitter. Criteria: GeneDx Variant Classification Process June 2021. Collection method: clinical testing. Allele origin: germline. Affected: yes.
Comment: See Variant Classification Assertion Criteria.

NM_004560.4(ROR2):c.*236G>A

Gene: ROR2 (receptor tyrosine kinase like orphan receptor 2; minus strand). Cytogenetic location: 9q22.31.
Variant type: single nucleotide variant.
Coding change: c.*236G>A on transcript NM_004560.4 (MANE Select); 236 bases downstream of the stop codon, G replaced by A.
Molecular consequence: 3 prime UTR variant.
Genome position (GRCh38, 1-based): chr9:91,723,426, C>T on the plus strand (G>A on the coding strand, the complement: ROR2 is on the minus strand). VCF-style: chr9-91723426-C-T. GRCh37 (hg19) VCF-style: chr9-94485708-C-T.
Identifiers: ClinVar variation 3340920 (VCV003340920.1).